The following is an entry in ClinVar:

ClinVar aggregate classification (germline): Uncertain significance. Review status: criteria provided, multiple submitters, no conflicts (2 of 4 stars). 2 submissions from 2 submitters: Uncertain significance (2). Last evaluated 2026-03-01.

Conditions:
Inborn genetic diseases. Identifiers: MedGen C0950123, MeSH D030342.

Allele frequency attached by ClinVar (database versions not stated): ExAC 0.00001; TOPMed 0.00001.
gnomAD v4.1: 4 of 1,613,960 alleles (0.00025%); highest among the groups gnomAD compares: Non-Finnish European, 0.00017%; no homozygotes.

Submissions (2):

Ambry Genetics
Classification: Uncertain significance for Inborn genetic diseases. Last evaluated: 2026-03-01. Review status: criteria provided, single submitter. Criteria: Ambry Variant Classification Scheme 2023. Collection method: clinical testing. Allele origin: germline.
Comment: The p.P9L variant (also known as c.26C>T), located in coding exon 1 of the SMAD2 gene, results from a C to T substitution at nucleotide position 26. The proline at codon 9 is replaced by leucine, an amino acid with similar properties. This amino acid position is conserved. In addition, the in silico prediction for this alteration is inconclusive. Based on the available evidence, the clinical significance of this variant remains unclear.

Labcorp Genetics (formerly Invitae), Labcorp
Classification: Uncertain significance. Last evaluated: 2023-03-27. Review status: criteria provided, single submitter. Criteria: Invitae Variant Classification Sherloc (09022015). Collection method: clinical testing. Allele origin: germline.
Comment: This variant is present in population databases (rs749758342, gnomAD 0.0009%). This sequence change replaces proline, which is neutral and non-polar, with leucine, which is neutral and non-polar, at codon 9 of the SMAD2 protein (p.Pro9Leu). This variant has not been reported in the literature in individuals affected with SMAD2-related conditions. In summary, the available evidence is currently insufficient to determine the role of this variant in disease. Therefore, it has been classified as a Variant of Uncertain Significance. Advanced modeling of protein sequence and biophysical properties (such as structural, functional, and spatial information, amino acid conservation, physicochemical variation, residue mobility, and thermodynamic stability) performed at Invitae indicates that this missense variant is not expected to disrupt SMAD2 protein function.

NM_005901.6(SMAD2):c.26C>T (p.Pro9Leu)

Gene: SMAD2 (SMAD family member 2; minus strand). Cytogenetic location: 18q21.1.
Variant type: single nucleotide variant.
Coding change: c.26C>T on transcript NM_005901.6 (MANE Select); coding-DNA position 26, C replaced by T.
Protein change: p.Pro9Leu; replaces proline 9 with leucine.
Molecular consequence: missense variant.
Genome position (GRCh38, 1-based): chr18:47,896,731, G>A on the plus strand (C>T on the coding strand, the complement: SMAD2 is on the minus strand). VCF-style: chr18-47896731-G-A. GRCh37 (hg19) VCF-style: chr18-45423102-G-A.
Other names: c.26C>T (NM_005901.4); c.26C>T, p.Pro9Leu (NM_001003652.4, NM_001135937.3); short protein forms P9L.
Identifiers: ClinVar variation 2963157 (VCV002963157.5), dbSNP rs749758342, ClinGen allele CA8956348.